The following is an entry in ClinVar:

NM_024009.3(GJB3):c.718C>T (p.Arg240Cys)

Gene: GJB3 (gap junction protein beta 3; plus strand). Cytogenetic location: 1p34.3.
Variant type: single nucleotide variant.
Coding change: c.718C>T on transcript NM_024009.3 (MANE Select); coding-DNA position 718, C replaced by T.
Protein change: p.Arg240Cys; replaces arginine 240 with cysteine.
Molecular consequence: missense variant.
Genome position (GRCh38, 1-based): chr1:34,785,480, C>T. VCF-style: chr1-34785480-C-T. GRCh37 (hg19) VCF-style: chr1-35251081-C-T.
Other names: c.718C>T, p.Arg240Cys (NM_001005752.2); short protein forms R240C.
Identifiers: ClinVar variation 423815 (VCV000423815.13), dbSNP rs753842104, ClinGen allele CA754898.

ClinVar aggregate classification (germline): Uncertain significance. Review status: criteria provided, multiple submitters, no conflicts (2 of 4 stars). 3 submissions from 3 submitters: Uncertain significance (3). Last evaluated 2025-01-08.

Allele frequency attached by ClinVar (database versions not stated): gnomAD exomes 0.00001; gnomAD 0.00002 and 0.00001; ExAC 0.00001.

Submissions (3):

Labcorp Genetics (formerly Invitae), Labcorp
Classification: Uncertain significance. Last evaluated: 2025-01-08. Review status: criteria provided, single submitter. Criteria: Invitae Variant Classification Sherloc (09022015). Collection method: clinical testing. Allele origin: germline.
Comment: This sequence change replaces arginine, which is basic and polar, with cysteine, which is neutral and slightly polar, at codon 240 of the GJB3 protein (p.Arg240Cys). This variant is present in population databases (rs753842104, gnomAD 0.007%). This variant has not been reported in the literature in individuals affected with GJB3-related conditions. ClinVar contains an entry for this variant (Variation ID: 423815). An algorithm developed to predict the effect of missense changes on protein structure and function (PolyPhen-2) suggests that this variant is likely to be tolerated. In summary, the available evidence is currently insufficient to determine the role of this variant in disease. Therefore, it has been classified as a Variant of Uncertain Significance.

GeneDx
Classification: Uncertain significance. Last evaluated: 2022-04-29. Review status: criteria provided, single submitter. Criteria: GeneDx Variant Classification Process June 2021. Collection method: clinical testing. Allele origin: germline. Affected: yes.
Comment: In silico analysis supports that this missense variant does not alter protein structure/function; Has not been previously published as pathogenic or benign to our knowledge

ARUP Laboratories, Molecular Genetics and Genomics, ARUP Laboratories
Classification: Uncertain significance. Last evaluated: 2018-02-02. Review status: criteria provided, single submitter. Criteria: ARUP Molecular Germline Variant Investigation Process. Collection method: clinical testing. Allele origin: germline.
Comment: The p.Arg240Cys variant (rs753842104) has not been reported in the medical literature, gene specific variation databases, nor has it been previously identified by our laboratory. This variant is listed in the Genome Aggregation Database (gnomAD) with a frequency of 0.007 percent in the African population (identified on 1 out of 15,228 chromosomes) and has been reported to the ClinVar database (Variation ID: 423815). The arginine at position 240 is moderately conserved considering 14 species (Alamut v2.10) and computational analyses of the effects of the p.Arg240Cys variant on protein structure and function provide conflicting results (SIFT: damaging, MutationTaster: disease causing, PolyPhen-2: benign). Altogether, there is not enough evidence to classify the p.Arg240Cys variant with certainty.